The following is an entry in ClinVar:

NM_018474.6(KIZ):c.251_258del (p.Phe84fs)

Genes: KIZ (kizuna centrosomal protein; plus strand), LOC130065509 (ATAC-STARR-seq lymphoblastoid active region 17619; plus strand). Cytogenetic location: 20p11.23.
Variant type: Deletion.
Coding change: c.251_258del on transcript NM_018474.6 (MANE Select); coding-DNA positions 251 to 258, 8 bases deleted (TTGAGCGT; older notation c.251_258delTTGAGCGT).
Protein change: p.Phe84fs; shifts the reading frame from phenylalanine 84.
Molecular consequence: frameshift variant. On other transcripts: 5 prime UTR variant (1), intron variant (4).
Genome position (GRCh38, 1-based): chr20:21,136,488-21,136,495, TTGAGCGT deleted; deleting any 8 consecutive bases within chr20:21,136,487-21,136,495 gives the same sequence; the c. name uses the placement nearest the transcript's 3' end. VCF-style (leftmost placement, unchanged base first): chr20-21136486-ATTTGAGCG-A. GRCh37 (hg19) VCF-style: chr20-21117127-ATTTGAGCG-A.
Other names: c.251_258del, p.Phe84fs (NM_001352434.2); c.-136_-129del (NM_001352436.2); c.169-9077_169-9070del (NM_001276389.2); c.6+4329_6+4336del (NM_001163022.3, NM_001352435.2, NM_001163023.3); short protein forms F84fs.
Identifiers: ClinVar variation 809229 (VCV000809229.50), dbSNP rs1254494198, ClinGen allele CA635080340.

ClinVar aggregate classification (germline): Pathogenic/Likely pathogenic. Review status: criteria provided, multiple submitters, no conflicts (2 of 4 stars). 6 submissions from 6 submitters: Pathogenic (5); Likely pathogenic (1). Last evaluated 2026-01-26.

Conditions:
Retinal dystrophy. Also called: Inherited retinal dystrophy. Identifiers: Orphanet 71862, MedGen C0854723, MeSH D058499, MONDO:0019118, HP:0000556.
Retinitis pigmentosa (RP). Identifiers: Orphanet 791, MedGen C0035334, MeSH D012174, MONDO:0019200, OMIM 268000. Inheritance: Autosomal dominant, autosomal recessive and X linked inheritance.
Retinal disorder. Also called: Retinal disorders; Retinopathies; Retinal Diseases; Retinopathy. Identifiers: MedGen C0035309, MONDO:0005283, HP:0000488.
KIZ-related disorder. Also called: KIZ-related condition.

Submissions (6):

Labcorp Genetics (formerly Invitae), Labcorp
Classification: Pathogenic. Last evaluated: 2026-01-26. Review status: criteria provided, single submitter. Criteria: Invitae Variant Classification Sherloc (09022015). Collection method: clinical testing. Allele origin: germline.
Comment: This sequence change creates a premature translational stop signal (p.Phe84Cysfs*23) in the KIZ gene. It is expected to result in an absent or disrupted protein product. Loss-of-function variants in KIZ are known to be pathogenic (PMID: 24680887, 29057815). This variant is present in population databases (no rsID available, gnomAD 0.003%). This premature translational stop signal has been observed in individual(s) with retinitis pigmentosa (PMID: 32531858). ClinVar contains an entry for this variant (Variation ID: 809229). For these reasons, this variant has been classified as Pathogenic.

Blueprint Genetics
Classification: Pathogenic for KIZ-related disorders. Last evaluated: 2024-03-26. Review status: criteria provided, single submitter. Criteria: ACMG Guidelines, 2015. Collection method: clinical testing. Allele origin: germline. Affected: yes. Observed: 5 variant alleles.

AURAGEN, Plan France Médecine Génomique
Classification: Pathogenic for Retinal disorder. Last evaluated: 2022-01-24. Review status: criteria provided, single submitter. Criteria: PFMG2025 (Lancet Reg Health Eur. 2025). Collection method: clinical testing. Allele origin: germline. Affected: yes.

Molecular Genetics Laboratory, Institute for Ophthalmic Research
Classification: Pathogenic for Retinitis pigmentosa. Last evaluated: 2020-01-09. Review status: criteria provided, single submitter. Criteria: ACMG Guidelines, 2015. Collection method: research. Allele origin: germline. Affected: yes.

Institute of Human Genetics, Univ. Regensburg, Univ. Regensburg
Classification: Pathogenic for Retinal dystrophy. Last evaluated: 2020-01-01. Review status: criteria provided, single submitter. Criteria: ACMG Guidelines, 2015. Collection method: clinical testing. Allele origin: germline. Affected: yes.

CeGaT Center for Human Genetics Tuebingen
Classification: Likely pathogenic. Last evaluated: 2018-10-01. Review status: criteria provided, single submitter. Criteria: CeGaT Center For Human Genetics Tuebingen Variant Classification Criteria Version 2. Collection method: clinical testing. Allele origin: germline. Affected: yes. Observed: 1 variant allele.

Literature cited by the submitters: PubMed 24680887 (cited by Labcorp Genetics (formerly Invitae), Labcorp); PubMed 29057815 (cited by Labcorp Genetics (formerly Invitae), Labcorp); PubMed 32531858 (cited by Labcorp Genetics (formerly Invitae), Labcorp and Institute of Human Genetics, Univ. Regensburg, Univ. Regensburg).